The following is an entry in ClinVar:

NM_031935.3(HMCN1):c.8341G>A (p.Gly2781Ser)

Gene: HMCN1 (hemicentin 1; plus strand). Cytogenetic location: 1q31.1.
Variant type: single nucleotide variant.
Coding change: c.8341G>A on transcript NM_031935.3 (MANE Select); coding-DNA position 8341, G replaced by A.
Protein change: p.Gly2781Ser; replaces glycine 2781 with serine.
Molecular consequence: missense variant.
Genome position (GRCh38, 1-based): chr1:186,076,478, G>A. VCF-style: chr1-186076478-G-A. GRCh37 (hg19) VCF-style: chr1-186045610-G-A.
Other names: short protein forms G2781S.
Identifiers: ClinVar variation 1472279 (VCV001472279.6), dbSNP rs374112138, ClinGen allele CA1293094.

ClinVar aggregate classification (germline): Uncertain significance (1 of 4 stars; one submission).

Allele frequency attached by ClinVar (database versions not stated): gnomAD exomes 0.00002 and 0.00004; ExAC 0.00003; TOPMed 0.00003; ESP Exome Variant Server 0.00008.
gnomAD v4.1: 13 of 1,613,688 alleles (0.00081%); highest among the groups gnomAD compares: Admixed American, 0.02%; no homozygotes.

Submission:

Labcorp Genetics (formerly Invitae), Labcorp
Classification: Uncertain significance. Last evaluated: 2025-02-18. Review status: criteria provided, single submitter. Criteria: Invitae Variant Classification Sherloc (09022015). Collection method: clinical testing. Allele origin: germline.
Comment: This sequence change replaces glycine, which is neutral and non-polar, with serine, which is neutral and polar, at codon 2781 of the HMCN1 protein (p.Gly2781Ser). This variant is present in population databases (rs374112138, gnomAD 0.03%). This variant has not been reported in the literature in individuals affected with HMCN1-related conditions. ClinVar contains an entry for this variant (Variation ID: 1472279). An algorithm developed to predict the effect of missense changes on protein structure and function outputs the following: PolyPhen-2: "Benign". The serine amino acid residue is found in multiple mammalian species, which suggests that this missense change does not adversely affect protein function. In summary, the available evidence is currently insufficient to determine the role of this variant in disease. Therefore, it has been classified as a Variant of Uncertain Significance.